The following is an entry in ClinVar:

NM_013275.6(ANKRD11):c.2889C>T (p.Asp963=)

Gene: ANKRD11 (ankyrin repeat domain 11; minus strand). Cytogenetic location: 16q24.3.
Variant type: single nucleotide variant.
Coding change: c.2889C>T on transcript NM_013275.6 (MANE Select); coding-DNA position 2889, C replaced by T.
Protein change: p.Asp963=; no amino-acid change (aspartic acid 963 retained).
Molecular consequence: synonymous variant.
Genome position (GRCh38, 1-based): chr16:89,283,653, G>A on the plus strand (C>T on the coding strand, the complement: ANKRD11 is on the minus strand). VCF-style: chr16-89283653-G-A. GRCh37 (hg19) VCF-style: chr16-89350061-G-A.
Other names: c.2889C>T, p.Asp963= (NM_001256182.2, NM_001256183.2).
Identifiers: ClinVar variation 587814 (VCV000587814.16), dbSNP rs139955323, ClinGen allele CA8242486.

ClinVar aggregate classification (germline): Benign/Likely benign. Review status: criteria provided, multiple submitters, no conflicts (2 of 4 stars). 7 submissions from 7 submitters: Benign (4); Likely benign (3). Last evaluated 2026-08-01.

Conditions:
Inborn genetic diseases. Identifiers: MedGen C0950123, MeSH D030342.
KBG syndrome (KBGS). Also called: ANKRD11-Related KBG Syndrome. Identifiers: Orphanet 2332, MedGen C0220687, MONDO:0007846, OMIM 148050.

Allele frequency attached by ClinVar (database versions not stated): gnomAD 0.00001 and 0.00003; 1000 Genomes Project 0.00020; gnomAD exomes 0.00004 and 0.00016; TOPMed 0.00004; ESP Exome Variant Server 0.00008; 1000 Genomes Project 30x 0.00016; ExAC 0.00016.
gnomAD v4.1: 61 of 1,611,504 alleles (0.0038%); highest among the groups gnomAD compares: Admixed American, 0.065%; no homozygotes.

Submissions (7):

CeGaT Center for Human Genetics Tuebingen
Classification: Likely benign. Last evaluated: 2026-08-01. Review status: criteria provided, single submitter. Criteria: CeGaT Center For Human Genetics Tuebingen Variant Classification Criteria Version 2. Collection method: clinical testing. Allele origin: germline. Affected: yes. Observed: 1 variant allele.
Comment: ANKRD11: BP4, BP7

Labcorp Genetics (formerly Invitae), Labcorp
Classification: Benign for KBG syndrome. Last evaluated: 2025-09-17. Review status: criteria provided, single submitter. Criteria: Invitae Variant Classification Sherloc (09022015). Collection method: clinical testing. Allele origin: germline.

ARUP Laboratories, Molecular Genetics and Genomics, ARUP Laboratories
Classification: Benign for KBG syndrome. Last evaluated: 2025-03-06. Review status: criteria provided, single submitter. Criteria: ARUP Molecular Germline Variant Investigation Process 2024. Collection method: clinical testing. Allele origin: germline.

Blueprint Genetics
Classification: Likely benign. Last evaluated: 2024-03-04. Review status: criteria provided, single submitter. Criteria: ACMG Guidelines, 2015. Collection method: clinical testing. Allele origin: germline.

Genome-Nilou Lab
Classification: Benign for KBG syndrome. Last evaluated: 2021-12-05. Review status: criteria provided, single submitter. Criteria: ACMG Guidelines, 2015. Collection method: clinical testing. Allele origin: germline. Affected: no.

GeneDx
Classification: Benign. Last evaluated: 2020-02-24. Review status: criteria provided, single submitter. Criteria: GeneDx Variant Classification Process June 2021. Collection method: clinical testing. Allele origin: germline. Affected: yes.

Ambry Genetics
Classification: Likely benign for Inborn genetic diseases. Last evaluated: 2016-04-18. Review status: criteria provided, single submitter. Criteria: Ambry Variant Classification Scheme 2023. Collection method: clinical testing. Allele origin: germline.